The following is an entry in ClinVar:

NM_001042492.3(NF1):c.4263del (p.Tyr1422fs)

Gene: NF1 (neurofibromin 1; plus strand). Cytogenetic location: 17q11.2.
Variant type: Deletion.
Coding change: c.4263del on transcript NM_001042492.3 (MANE Select); coding-DNA position 4263, one base deleted (G; older notation c.4263delG).
Protein change: p.Tyr1422fs; shifts the reading frame from tyrosine 1422.
Molecular consequence: frameshift variant.
Genome position (GRCh38, 1-based): chr17:31,258,433, G deleted. VCF-style (leftmost placement, unchanged base first): chr17-31258432-CG-C. GRCh37 (hg19) VCF-style: chr17-29585450-CG-C.
Other names: c.4200delG (NM_000267.3); c.4200delG, p.Tyr1401Metfs (NM_000267.4); short protein forms Y1422fs, Y1401fs.
Identifiers: ClinVar variation 484152 (VCV000484152.10), dbSNP rs1555618542, ClinGen allele CA658658572.
Genomic context (GRCh38, chr17:31,258,432, plus strand): 5'-GCATCGGTGCAGTAGGAAGTGCCATGTTCCTCAGATTTATCAATCCTGCCATTGTCTCAC[CG>C]TATGAAGCAGGGATTTTAGATAAAAAGCCACCACCTAGAATCGAAAGGGGCTTGAAGTTA-3'

ClinVar aggregate classification (germline): Pathogenic. Review status: criteria provided, multiple submitters, no conflicts (2 of 4 stars). 2 submissions from 2 submitters: Pathogenic (2). Last evaluated 2022-05-26.

Conditions:
Cardiovascular phenotype. Identifiers: MedGen CN230736.
Hereditary cancer-predisposing syndrome. Also called: Hereditary neoplastic syndrome; Neoplastic Syndromes, Hereditary; Tumor predisposition; Hereditary Cancer Syndrome. Identifiers: Orphanet 140162, MedGen C0027672, MeSH D009386, MONDO:0015356.
Neurofibromatosis, type 1 (NF1). Also called: VON RECKLINGHAUSEN DISEASE; Peripheral type neurofibromatosis; NEUROFIBROMATOSIS, TYPE I, SOMATIC; Neurofibromatosis, type I. Identifiers: Orphanet 636, MedGen C0027831, MONDO:0018975, OMIM 162200. Disease mechanism: loss of function.

Submissions (2):

Labcorp Genetics (formerly Invitae), Labcorp
Classification: Pathogenic for Neurofibromatosis, type 1. Last evaluated: 2022-05-26. Review status: criteria provided, single submitter. Criteria: Invitae Variant Classification Sherloc (09022015). Collection method: clinical testing. Allele origin: germline.
Comment: This sequence change creates a premature translational stop signal (p.Tyr1401Metfs*6) in the NF1 gene. It is expected to result in an absent or disrupted protein product. Loss-of-function variants in NF1 are known to be pathogenic (PMID: 10712197, 23913538). This variant is not present in population databases (gnomAD no frequency). This variant has not been reported in the literature in individuals affected with NF1-related conditions. ClinVar contains an entry for this variant (Variation ID: 484152). For these reasons, this variant has been classified as Pathogenic.

Ambry Genetics
Classification: Pathogenic for Cardiovascular phenotype; Hereditary cancer-predisposing syndrome. Last evaluated: 2017-08-25. Review status: criteria provided, single submitter. Criteria: Ambry Variant Classification Scheme 2023. Collection method: clinical testing. Allele origin: germline.
Comment: The c.4200delG pathogenic mutation, located in coding exon 31 of the NF1 gene, results from a deletion of one nucleotide at nucleotide position 4200, causing a translational frameshift with a predicted alternate stop codon (p.Y1401Mfs*6). This alteration is expected to result in loss of function by premature protein truncation or nonsense-mediated mRNA decay. As such, this alteration is interpreted as a disease-causing mutation.

Literature cited by the submitters: PubMed 10712197 (cited by Labcorp Genetics (formerly Invitae), Labcorp); PubMed 23913538 (cited by Labcorp Genetics (formerly Invitae), Labcorp).